The following is an entry in ClinVar:

ClinVar aggregate classification (germline): Uncertain significance (1 of 4 stars; one submission).

Conditions:
Hereditary cancer-predisposing syndrome. Also called: Neoplastic Syndromes, Hereditary; Tumor predisposition; Hereditary Cancer Syndrome; Hereditary neoplastic syndrome. Identifiers: Orphanet 140162, MedGen C0027672, MeSH D009386, MONDO:0015356.

Submission:

Ambry Genetics
Classification: Uncertain significance for Hereditary cancer-predisposing syndrome. Last evaluated: 2026-05-14. Review status: criteria provided, single submitter. Criteria: Ambry Variant Classification Scheme 2023. Collection method: clinical testing. Allele origin: germline.
Comment: The p.M729I variant (also known as c.2187G>C), located in coding exon 13 of the RAD50 gene, results from a G to C substitution at nucleotide position 2187. The methionine at codon 729 is replaced by isoleucine, an amino acid with highly similar properties. This amino acid position is conserved. In addition, the in silico prediction for this alteration is inconclusive. Based on the available evidence, the clinical significance of this variant remains unclear.

NM_005732.4(RAD50):c.2187G>C (p.Met729Ile)

Gene: RAD50 (RAD50 double strand break repair protein; plus strand). Cytogenetic location: 5q31.1.
Variant type: single nucleotide variant.
Coding change: c.2187G>C on transcript NM_005732.4 (MANE Select); coding-DNA position 2187, G replaced by C.
Protein change: p.Met729Ile; replaces methionine 729 with isoleucine.
Molecular consequence: missense variant.
Genome position (GRCh38, 1-based): chr5:132,595,790, G>C. VCF-style: chr5-132595790-G-C. GRCh37 (hg19) VCF-style: chr5-131931482-G-C.
Other names: short protein forms M729I.
Identifiers: ClinVar variation 4862843 (VCV004862843.1).
Genomic context (GRCh38, chr5:132,595,790, plus strand): 5'-AGATAAACTCAAGTCAACAGAATCAGAGCTAAAAAAAAAGGAAAAGCGGCGTGATGAAAT[G>C]CTGGGACTTGTGCCCATGAGGTAAGAATGGGATTTACCTTCACTGTACATGTAGCAGCAC-3'
Protein context (NP_005723.2, residues 719-739): LKKKEKRRDE[Met729Ile]LGLVPMRQSI